The following is an entry in ClinVar:

NM_000053.4(ATP7B):c.3373A>G (p.Ser1125Gly)

Gene: ATP7B (ATPase copper transporting beta; minus strand). Cytogenetic location: 13q14.3.
Variant type: single nucleotide variant.
Coding change: c.3373A>G on transcript NM_000053.4 (MANE Select); coding-DNA position 3373, A replaced by G.
Protein change: p.Ser1125Gly; replaces serine 1125 with glycine.
Molecular consequence: missense variant.
Genome position (GRCh38, 1-based): chr13:51,942,425, T>C on the plus strand (A>G on the coding strand, the complement: ATP7B is on the minus strand). VCF-style: chr13-51942425-T-C. GRCh37 (hg19) VCF-style: chr13-52516561-T-C.
Other names: c.2752A>G, p.Ser918Gly (NM_001005918.3); c.3040A>G, p.Ser1014Gly (NM_001243182.2); c.3139A>G, p.Ser1047Gly (NM_001330578.2, NM_001406538.1, NM_001406527.1 and 1 more transcripts); c.3121A>G, p.Ser1041Gly (NM_001330579.2, NM_001406531.1, NM_001406532.1); c.3373A>G, p.Ser1125Gly (NM_001406511.1, NM_001406512.1, NM_001406526.1); c.3367A>G, p.Ser1123Gly (NM_001406513.1); c.3340A>G, p.Ser1114Gly (NM_001406514.1); c.3319A>G, p.Ser1107Gly (NM_001406515.1, NM_001406516.1); and 19 more; short protein forms S1029G, S1066G, S1080G, S898G, S909G, S963G, S1012G, S1014G.
Identifiers: ClinVar variation 1730750 (VCV001730750.6), dbSNP rs2547611839, ClinGen allele CA388027940.
Genomic context (GRCh38, chr13:51,942,425, plus strand): 5'-AGAGACAAAAGCCAGCAATACCTTTTTCTGCGGGAAGGCTGCCAGCCTCATTCAGGTGAC[T>C]GGCCGGTGCACTCAAAGGGCGCTCACTGTGGGCCAGGATGCCTTCCACGTTGCTGACTTT-3'
Protein context (NP_000044.2, residues 1115-1135): HSERPLSAPA[Ser1125Gly]HLNEAGSLPA

ClinVar aggregate classification (germline): Conflicting classifications of pathogenicity. Review status: criteria provided, conflicting classifications (1 of 4 stars). 4 submissions from 4 submitters: Uncertain significance (2); Likely benign (1). 1 of the submissions does not count toward it. Last evaluated 2025-05-25.

Conditions:
Inborn genetic diseases. Identifiers: MedGen C0950123, MeSH D030342.
Wilson disease (WND). Also called: Wilson's disease. Identifiers: Orphanet 905, MedGen C0019202, MONDO:0010200, OMIM 277900. Disease mechanism: loss of function.

Submissions (4):

Color Diagnostics, LLC DBA Color Health
Classification: Uncertain significance for Wilson disease. Last evaluated: 2025-05-25. Review status: criteria provided, single submitter. Criteria: ACMG Guidelines, 2015. Collection method: clinical testing. Allele origin: germline.
Comment: This missense variant replaces serine with glycine at codon 1125 of the ATP7B protein. Computational prediction suggests that this variant may not impact protein structure and function. To our knowledge, functional studies have not been reported for this variant. This variant has not been reported in individuals affected with ATP7B-related disorders in the literature. This variant has not been identified in the general population by the Genome Aggregation Database (gnomAD). The available evidence is insufficient to determine the role of this variant in disease conclusively. Therefore, this variant is classified as a Variant of Uncertain Significance.

Ambry Genetics
Classification: Likely benign for Inborn genetic diseases. Last evaluated: 2022-04-01. Review status: criteria provided, single submitter. Criteria: Ambry Variant Classification Scheme 2023. Collection method: clinical testing. Allele origin: germline.

Labcorp Genetics (formerly Invitae), Labcorp
Classification: Uncertain significance for Wilson disease. Last evaluated: 2022-03-09. Review status: criteria provided, single submitter. Criteria: Invitae Variant Classification Sherloc (09022015). Collection method: clinical testing. Allele origin: germline.
Comment: This sequence change replaces serine, which is neutral and polar, with glycine, which is neutral and non-polar, at codon 1125 of the ATP7B protein (p.Ser1125Gly). This variant is not present in population databases (gnomAD no frequency). This variant has not been reported in the literature in individuals affected with ATP7B-related conditions. Advanced modeling of protein sequence and biophysical properties (such as structural, functional, and spatial information, amino acid conservation, physicochemical variation, residue mobility, and thermodynamic stability) performed at Invitae indicates that this missense variant is not expected to disrupt ATP7B protein function. In summary, the available evidence is currently insufficient to determine the role of this variant in disease. Therefore, it has been classified as a Variant of Uncertain Significance.

Natera, Inc.
Classification: Uncertain significance for Wilson disease. Last evaluated: 2025-05-20. Review status: no assertion criteria provided. Collection method: clinical testing. Allele origin: germline. Not counted in ClinVar's aggregate classification.